The following is an entry in ClinVar:

ClinVar aggregate classification (germline): Pathogenic (1 of 4 stars; one submission).

Conditions:
Niemann-Pick disease, type C1. Also called: NIEMANN-PICK DISEASE, VARIANT TYPE C1; NEUROVISCERAL STORAGE DISEASE WITH VERTICAL SUPRANUCLEAR OPHTHALMOPLEGIA; NIEMANN-PICK DISEASE WITH CHOLESTEROL ESTERIFICATION BLOCK; NIEMANN-PICK DISEASE WITHOUT SPHINGOMYELINASE DEFICIENCY; NIEMANN-PICK DISEASE, CHRONIC NEURONOPATHIC FORM. Identifiers: Orphanet 646, MedGen C3179455, MONDO:0009757, OMIM 257220.

Submission:

Labcorp Genetics (formerly Invitae), Labcorp
Classification: Pathogenic for Niemann-Pick disease, type C1. Last evaluated: 2024-07-22. Review status: criteria provided, single submitter. Criteria: Invitae Variant Classification Sherloc (09022015). Collection method: clinical testing. Allele origin: germline.
Comment: This sequence change creates a premature translational stop signal (p.Arg1173Lysfs*85) in the NPC1 gene. While this is not anticipated to result in nonsense mediated decay, it is expected to disrupt the last 106 amino acid(s) of the NPC1 protein. This variant is not present in population databases (gnomAD no frequency). This premature translational stop signal has been observed in individual(s) with NPC1-related conditions (Invitae). ClinVar contains an entry for this variant (Variation ID: 471943). Algorithms developed to predict the effect of sequence changes on RNA splicing suggest that this variant may disrupt the consensus splice site. This variant disrupts the p.Phe1167 amino acid residue in NPC1. Other variant(s) that disrupt this residue have been determined to be pathogenic (PMID: 23433426, 25149939). This suggests that this residue is clinically significant, and that variants that disrupt this residue are likely to be disease-causing. For these reasons, this variant has been classified as Pathogenic.

Literature cited by the submitters: PubMed 23433426; PubMed 25149939.

NM_000271.5(NPC1):c.3517dup (p.Arg1173fs)

Gene: NPC1 (NPC intracellular cholesterol transporter 1; minus strand). Cytogenetic location: 18q11.2.
Variant type: Duplication.
Coding change: c.3517dup on transcript NM_000271.5 (MANE Select); coding-DNA position 3517, one base duplicated (A; older notation c.3517dupA).
Protein change: p.Arg1173fs; shifts the reading frame from arginine 1173.
Molecular consequence: frameshift variant.
Genome position (GRCh38, 1-based): chr18:23,534,520, T duplicated on the plus strand (A on the coding strand, the reverse complement: NPC1 is on the minus strand). VCF-style (leftmost placement, unchanged base first): chr18-23534519-C-CT. GRCh37 (hg19) VCF-style: chr18-21114483-C-CT.
Other names: c.3517dupA (NM_000271.4); short protein forms R1173fs.
Identifiers: ClinVar variation 471943 (VCV000471943.10), dbSNP rs1555631982, ClinGen allele CA658658726.
Genomic context (GRCh38, chr18:23,534,519, plus strand): 5'-TGGGCAAGTGCCTCTTCCGCGCGCTCCACGCGGCTGCCTTTCATGCTCACCGTGAACGCT[C>CT]TGGTTATGTGGCTGCAGAACTCCACGGAGATGCCACAGCTCTGAAATAAAGCACTTCCTT-3'